The following is an entry in ClinVar:

ClinVar aggregate classification (germline): Uncertain significance. Review status: criteria provided, multiple submitters, no conflicts (2 of 4 stars). 2 submissions from 2 submitters: Uncertain significance (2). Last evaluated 2023-09-29.

Conditions:
Inborn genetic diseases. Identifiers: MedGen C0950123, MeSH D030342.

Allele frequency attached by ClinVar (database versions not stated): TOPMed below 0.00001; gnomAD 0.00001; 1000 Genomes Project 30x 0.00031; 1000 Genomes Project 0.00040.
gnomAD v4.1: 10 of 1,614,198 alleles (0.00062%); highest among the groups gnomAD compares: East Asian, 0.013%; no homozygotes.

Submissions (2):

Labcorp Genetics (formerly Invitae), Labcorp
Classification: Uncertain significance. Last evaluated: 2023-09-29. Review status: criteria provided, single submitter. Criteria: Invitae Variant Classification Sherloc (09022015). Collection method: clinical testing. Allele origin: germline.
Comment: This sequence change replaces lysine, which is basic and polar, with glutamic acid, which is acidic and polar, at codon 202 of the RP1L1 protein (p.Lys202Glu). This variant is present in population databases (rs536018538, gnomAD 0.01%). This variant has not been reported in the literature in individuals affected with RP1L1-related conditions. ClinVar contains an entry for this variant (Variation ID: 2316772). Advanced modeling of protein sequence and biophysical properties (such as structural, functional, and spatial information, amino acid conservation, physicochemical variation, residue mobility, and thermodynamic stability) performed at Invitae indicates that this missense variant is not expected to disrupt RP1L1 protein function. In summary, the available evidence is currently insufficient to determine the role of this variant in disease. Therefore, it has been classified as a Variant of Uncertain Significance.

Ambry Genetics
Classification: Uncertain significance for Inborn genetic diseases. Last evaluated: 2022-10-04. Review status: criteria provided, single submitter. Criteria: Ambry Variant Classification Scheme 2023. Collection method: clinical testing. Allele origin: germline.

NM_178857.6(RP1L1):c.604A>G (p.Lys202Glu)

Gene: RP1L1 (RP1 like 1). Cytogenetic location: 8p23.1.
Variant type: single nucleotide variant.
Coding change: c.604A>G on transcript NM_178857.6 (MANE Select); coding-DNA position 604, A replaced by G.
Protein change: p.Lys202Glu; replaces lysine 202 with glutamic acid.
Molecular consequence: missense variant.
Genome position (GRCh38, 1-based): chr8:10,622,598, T>C on the plus strand (A>G on the coding strand, the complement: RP1L1 is on the minus strand). VCF-style: chr8-10622598-T-C. GRCh37 (hg19) VCF-style: chr8-10480108-T-C.
Other names: short protein forms K202E.
Identifiers: ClinVar variation 2316772 (VCV002316772.5), dbSNP rs536018538, ClinGen allele CA171954567.
Genomic context (GRCh38, chr8:10,622,598, plus strand): 5'-TTGACCTCAGGTCTAAAGAACCTTTTCAAGGAACCGTCAGACCCCAACAGCCTACCTTTT[T>C]CCCGCTGGTCGTGTACAACTGCTTCACAGGAAAGCGCAGGAGATCTGAGGCTTTGCCGAG-3'
Protein context (NP_849188.4, residues 192-212): PVKQLYTTSG[Lys202Glu]KVDSLQALLH